The following is an entry in ClinVar:

ClinVar aggregate classification (germline): Uncertain significance. Review status: criteria provided, multiple submitters, no conflicts (2 of 4 stars). 4 submissions from 4 submitters: Uncertain significance (3). 1 of the submissions does not count toward it. Last evaluated 2024-09-05.

Conditions:
LPIN2-related disorder. Also called: LPIN2-related condition.
Majeed syndrome (MJDS). Also called: LPIN2-Related Majeed Syndrome; CHRONIC RECURRENT MULTIFOCAL OSTEOMYELITIS 1, WITH CONGENITAL DYSERYTHROPOIETIC ANEMIA, WITH OR WITHOUT NEUTROPHILIC DERMATOSIS. Identifiers: Orphanet 77297, MedGen C1864997, MONDO:0012316, OMIM 609628.

Allele frequency attached by ClinVar (database versions not stated): gnomAD exomes 0.00007; ExAC 0.00010; 1000 Genomes Project 30x 0.00016; 1000 Genomes Project 0.00020; gnomAD 0.00024 and 0.00025; TOPMed 0.00028; ESP Exome Variant Server 0.00031.
gnomAD v4.1: 87 of 1,614,022 alleles (0.0054%); highest among the groups gnomAD compares: African/African-American, 0.079%; no homozygotes.

Submissions (4):

Blueprint Genetics
Classification: Uncertain significance. Last evaluated: 2024-09-05. Review status: criteria provided, single submitter. Criteria: ACMG Guidelines, 2015. Collection method: clinical testing. Allele origin: germline.

Revvity Omics, Revvity
Classification: Uncertain significance for Majeed syndrome. Last evaluated: 2024-03-12. Review status: criteria provided, single submitter. Criteria: ACMG Guidelines, 2015. Collection method: clinical testing. Allele origin: germline.

Labcorp Genetics (formerly Invitae), Labcorp
Classification: Uncertain significance for Majeed syndrome. Last evaluated: 2022-06-12. Review status: criteria provided, single submitter. Criteria: Invitae Variant Classification Sherloc (09022015). Collection method: clinical testing. Allele origin: germline.
Comment: This sequence change replaces proline, which is neutral and non-polar, with leucine, which is neutral and non-polar, at codon 378 of the LPIN2 protein (p.Pro378Leu). This variant is present in population databases (rs146067222, gnomAD 0.07%). This variant has not been reported in the literature in individuals affected with LPIN2-related conditions. ClinVar contains an entry for this variant (Variation ID: 657027). Algorithms developed to predict the effect of missense changes on protein structure and function (SIFT, PolyPhen-2, Align-GVGD) all suggest that this variant is likely to be tolerated. In summary, the available evidence is currently insufficient to determine the role of this variant in disease. Therefore, it has been classified as a Variant of Uncertain Significance.

PreventionGenetics, part of Exact Sciences
Classification: Uncertain significance for LPIN2-related condition. Last evaluated: 2024-05-01. Review status: no assertion criteria provided. Collection method: clinical testing. Allele origin: germline. Not counted in ClinVar's aggregate classification.
Comment: The LPIN2 c.1133C>T variant is predicted to result in the amino acid substitution p.Pro378Leu. To our knowledge, this variant has not been reported in the literature. This variant is reported in 0.064% of alleles in individuals of African descent in gnomAD. At this time, the clinical significance of this variant is uncertain due to the absence of conclusive functional and genetic evidence.

NM_001375808.2(LPIN2):c.1133C>T (p.Pro378Leu)

Gene: LPIN2 (lipin 2; minus strand). Cytogenetic location: 18p11.31.
Variant type: single nucleotide variant.
Coding change: c.1133C>T on transcript NM_001375808.2 (MANE Select); coding-DNA position 1133, C replaced by T.
Protein change: p.Pro378Leu; replaces proline 378 with leucine.
Molecular consequence: missense variant.
Genome position (GRCh38, 1-based): chr18:2,937,727, G>A on the plus strand (C>T on the coding strand, the complement: LPIN2 is on the minus strand). VCF-style: chr18-2937727-G-A. GRCh37 (hg19) VCF-style: chr18-2937725-G-A.
Other names: c.1133C>T, p.Pro378Leu (NM_001375809.1, NM_014646.2); short protein forms P378L.
Identifiers: ClinVar variation 657027 (VCV000657027.10), dbSNP rs146067222, ClinGen allele CA8873207.